The following is an entry in ClinVar:

ClinVar aggregate classification (germline): Uncertain significance (1 of 4 stars; one submission).

Conditions:
Propionic acidemia (PROP). Also called: GLYCINEMIA, KETOTIC; HYPERGLYCINEMIA WITH KETOACIDOSIS AND LEUKOPENIA; KETOTIC HYPERGLYCINEMIA. Identifiers: Orphanet 35, MedGen C0268579, MONDO:0011628, OMIM 606054, HP:0003571.

Submission:

Labcorp Genetics (formerly Invitae), Labcorp
Classification: Uncertain significance for Propionic acidemia. Last evaluated: 2022-04-11. Review status: criteria provided, single submitter. Criteria: Invitae Variant Classification Sherloc (09022015). Collection method: clinical testing. Allele origin: germline.
Comment: This sequence change replaces asparagine, which is neutral and polar, with lysine, which is basic and polar, at codon 159 of the PCCB protein (p.Asn159Lys). This variant is not present in population databases (gnomAD no frequency). This variant has not been reported in the literature in individuals affected with PCCB-related conditions. Advanced modeling of protein sequence and biophysical properties (such as structural, functional, and spatial information, amino acid conservation, physicochemical variation, residue mobility, and thermodynamic stability) performed at Invitae indicates that this missense variant is expected to disrupt PCCB protein function. In summary, the available evidence is currently insufficient to determine the role of this variant in disease. Therefore, it has been classified as a Variant of Uncertain Significance.

NM_000532.5(PCCB):c.477T>A (p.Asn159Lys)

Gene: PCCB (propionyl-CoA carboxylase subunit beta; plus strand). Cytogenetic location: 3q22.3.
Variant type: single nucleotide variant.
Coding change: c.477T>A on transcript NM_000532.5 (MANE Select); coding-DNA position 477, T replaced by A.
Protein change: p.Asn159Lys; replaces asparagine 159 with lysine.
Molecular consequence: missense variant.
Genome position (GRCh38, 1-based): chr3:136,261,999, T>A. VCF-style: chr3-136261999-T-A. GRCh37 (hg19) VCF-style: chr3-135980841-T-A.
Other names: c.537T>A, p.Asn179Lys (NM_001178014.2); short protein forms N159K, N179K.
Identifiers: ClinVar variation 1485889 (VCV001485889.3), dbSNP rs765946213, ClinGen allele CA354739638.